The following is an entry in ClinVar:

NM_133433.4(NIPBL):c.3646dup (p.Met1216fs)

Gene: NIPBL (NIPBL cohesin loading factor; plus strand). Cytogenetic location: 5p13.2.
Variant type: Duplication.
Coding change: c.3646dup on transcript NM_133433.4 (MANE Select); coding-DNA position 3646, one base duplicated (A; older notation c.3646dupA).
Protein change: p.Met1216fs; shifts the reading frame from methionine 1216.
Molecular consequence: frameshift variant.
Genome position (GRCh38, 1-based): chr5:37,001,060, A duplicated. VCF-style (leftmost placement, unchanged base first): chr5-37001059-T-TA. GRCh37 (hg19) VCF-style: chr5-37001161-T-TA.
Other names: c.3646dup, p.Met1216fs (NM_015384.5); short protein forms M1216fs.
Identifiers: ClinVar variation 2738661 (VCV002738661.3), dbSNP rs2478089251, ClinGen allele CA2697547120.
Genomic context (GRCh38, chr5:37,001,059, plus strand): 5'-CTCTTCAACTTTTAAGAGATTCACAGCCTCAATAGAGAATATTTTGGATAATTTGGAAGA[T>TA]ATGGATTTTACTGCGTTTGGTAAAATCAACTTAAAATACATTTACACATACTCTAAGTGT-3'

ClinVar aggregate classification (germline): Pathogenic (1 of 4 stars; one submission).

Conditions:
Cornelia de Lange syndrome 1 (CDLS1). Also called: NIPBL-Related Cornelia de Lange Syndrome; TYPUS DEGENERATIVUS AMSTELODAMENSIS; Brachmann de Lange syndrome. Identifiers: Orphanet 199, MedGen C4551851, MONDO:0007387, OMIM 122470.

Submission:

Labcorp Genetics (formerly Invitae), Labcorp
Classification: Pathogenic for Cornelia de Lange syndrome 1. Last evaluated: 2023-06-17. Review status: criteria provided, single submitter. Criteria: Invitae Variant Classification Sherloc (09022015). Collection method: clinical testing. Allele origin: germline.
Comment: This sequence change creates a premature translational stop signal (p.Met1216Asnfs*8) in the NIPBL gene. It is expected to result in an absent or disrupted protein product. Loss-of-function variants in NIPBL are known to be pathogenic (PMID: 15318302, 19763162, 23505322, 29995837). This variant is not present in population databases (gnomAD no frequency). This variant has not been reported in the literature in individuals affected with NIPBL-related conditions. For these reasons, this variant has been classified as Pathogenic.

Literature cited by the submitters: PubMed 15318302; PubMed 19763162; PubMed 23505322; PubMed 29995837.